The following is an entry in ClinVar:

NM_000135.4(FANCA):c.3997T>C (p.Phe1333Leu)

Genes: FANCA (FA complementation group A; minus strand), ZNF276 (zinc finger protein 276; plus strand). Cytogenetic location: 16q24.3.
Variant type: single nucleotide variant.
Coding change: c.3997T>C on transcript NM_000135.4 (MANE Select); coding-DNA position 3997, T replaced by C.
Protein change: p.Phe1333Leu; replaces phenylalanine 1333 with leucine.
Molecular consequence: missense variant. On other transcripts: 3 prime UTR variant (2), non-coding transcript variant (4).
Genome position (GRCh38, 1-based): chr16:89,739,491, A>G on the plus strand (T>C on the coding strand, the complement: FANCA is on the minus strand). VCF-style: chr16-89739491-A-G. GRCh37 (hg19) VCF-style: chr16-89805899-A-G.
Other names: c.3997T>C, p.Phe1333Leu (NM_001286167.3); c.*1245A>G (NM_001113525.2, NM_152287.4); short protein forms F1333L.
Identifiers: ClinVar variation 1337700 (VCV001337700.11), dbSNP rs576079738, ClinGen allele CA8250844.
Genomic context (GRCh38, chr16:89,739,491, plus strand): 5'-TCTGGGAAACACTGCCCAGCCCTGACCAGCCCTGTGGGTGGAGGTACCTGTAAAAAGCGA[A>G]AGGCAGCAGCCTGGTGTGCTGATCCGGGGCCACACGGAGGAGGAGCCGCCCCAGCCTGAG-3'
Protein context (NP_000126.2, residues 1323-1343): APDQHTRLLP[Phe1333Leu]AFYSLLSYFH

ClinVar aggregate classification (germline): Uncertain significance. Review status: criteria provided, multiple submitters, no conflicts (2 of 4 stars). 4 submissions from 4 submitters: Uncertain significance (4). Last evaluated 2024-12-08.

Conditions:
Fanconi anemia (FA). Also called: Fanconi's anemia. Identifiers: Orphanet 84, MedGen C0015625, MeSH D005199, MONDO:0019391.
Inborn genetic diseases. Identifiers: MedGen C0950123, MeSH D030342.

Allele frequency attached by ClinVar (database versions not stated): gnomAD exomes below 0.00001 and 0.00001; TOPMed 0.00002; gnomAD 0.00004; ExAC 0.00005; 1000 Genomes Project 30x 0.00016; 1000 Genomes Project 0.00020.
gnomAD v4.1: 7 of 1,551,206 alleles (0.00045%); highest among the groups gnomAD compares: African/African-American, 0.0096%; no homozygotes.

Submissions (4):

Ambry Genetics
Classification: Uncertain significance for Inborn genetic diseases. Last evaluated: 2024-12-08. Review status: criteria provided, single submitter. Criteria: Ambry Variant Classification Scheme 2023. Collection method: clinical testing. Allele origin: germline.
Comment: The p.F1333L variant (also known as c.3997T>C), located in coding exon 40 of the FANCA gene, results from a T to C substitution at nucleotide position 3997. The phenylalanine at codon 1333 is replaced by leucine, an amino acid with highly similar properties. This amino acid position is conserved. In addition, this alteration is predicted to be tolerated by in silico analysis. Based on the available evidence, the clinical significance of this variant remains unclear.

Labcorp Genetics (formerly Invitae), Labcorp
Classification: Uncertain significance for Fanconi anemia. Last evaluated: 2023-04-24. Review status: criteria provided, single submitter. Criteria: Invitae Variant Classification Sherloc (09022015). Collection method: clinical testing. Allele origin: germline.
Comment: This sequence change replaces phenylalanine, which is neutral and non-polar, with leucine, which is neutral and non-polar, at codon 1333 of the FANCA protein (p.Phe1333Leu). This variant is present in population databases (rs576079738, gnomAD 0.01%). This variant has not been reported in the literature in individuals affected with FANCA-related conditions. ClinVar contains an entry for this variant (Variation ID: 1337700). Advanced modeling of protein sequence and biophysical properties (such as structural, functional, and spatial information, amino acid conservation, physicochemical variation, residue mobility, and thermodynamic stability) performed at Invitae indicates that this missense variant is not expected to disrupt FANCA protein function. In summary, the available evidence is currently insufficient to determine the role of this variant in disease. Therefore, it has been classified as a Variant of Uncertain Significance.

Sema4
Classification: Uncertain significance for Fanconi anemia. Last evaluated: 2021-05-20. Review status: criteria provided, single submitter. Criteria: Sema4 Curation Guidelines. Collection method: curation. Allele origin: germline.
Comment: The FANCA c.3997T>C (p.F1333L) variant has not been reported in the literature to our knowledge. It was observed in 1/8776 chromosomes of the African/African American subpopulation in the large and broad cohorts of the Genome Aggregation Database (PMID: 32461654). The variant has not been reported in ClinVar. In silico tools suggest the impact of the variant on protein function is inconclusive, though these predictions have not been confirmed by functional studies. The evidence is insufficient to meet ACMG/AMP criteria for classifying the variant as benign or pathogenic. Thus, the clinical significance of this variant is currently uncertain.

Genetic Services Laboratory, University of Chicago
Classification: Uncertain significance. Last evaluated: 2020-08-27. Review status: criteria provided, single submitter. Criteria: ACMG Guidelines, 2015. Collection method: clinical testing. Allele origin: germline. Affected: no.
Comment: The second change, c.3997T>C, in exon 40 results in an amino acid change, p.Phe1333Leu. This sequence change does not appear to have been previously described in patients with FANCA-related disorders. It has been described in the gnomAD database with a low population frequency of 0.0006% (dbSNP rs576079738). The p.Phe1333Leu change affects a poorly conserved amino acid residue of the FANCA protein. The p.Phe1333Leu substitution appears to be benign using several in-silico pathogenicity prediction tools (SIFT, PolyPhen2, Align GVGD, REVEL). Due to these contrasting evidences and the lack of functional studies, the clinical significance of the p.Phe1333Leu change remains unknown at this time.